The following is an entry in ClinVar:

ClinVar aggregate classification (germline): Uncertain significance (1 of 4 stars; one submission).

Submission:

Labcorp Genetics (formerly Invitae), Labcorp
Classification: Uncertain significance. Last evaluated: 2023-04-15. Review status: criteria provided, single submitter. Criteria: Invitae Variant Classification Sherloc (09022015). Collection method: clinical testing. Allele origin: germline.
Comment: In summary, the available evidence is currently insufficient to determine the role of this variant in disease. Therefore, it has been classified as a Variant of Uncertain Significance. Algorithms developed to predict the effect of sequence changes on RNA splicing suggest that this variant may create or strengthen a splice site. An algorithm developed to predict the effect of missense changes on protein structure and function (PolyPhen-2) suggests that this variant is likely to be tolerated. This variant has not been reported in the literature in individuals affected with NEK2-related conditions. This variant is not present in population databases (gnomAD no frequency). This sequence change replaces aspartic acid, which is acidic and polar, with tyrosine, which is neutral and polar, at codon 273 of the NEK2 protein (p.Asp273Tyr).

NM_002497.4(NEK2):c.817G>T (p.Asp273Tyr)

Gene: NEK2 (NIMA related kinase 2; minus strand). Cytogenetic location: 1q32.3.
Variant type: single nucleotide variant.
Coding change: c.817G>T on transcript NM_002497.4 (MANE Select); coding-DNA position 817, G replaced by T.
Protein change: p.Asp273Tyr; replaces aspartic acid 273 with tyrosine.
Molecular consequence: missense variant.
Genome position (GRCh38, 1-based): chr1:211,669,281, C>A on the plus strand (G>T on the coding strand, the complement: NEK2 is on the minus strand). VCF-style: chr1-211669281-C-A. GRCh37 (hg19) VCF-style: chr1-211842623-C-A.
Other names: c.817G>T, p.Asp273Tyr (NM_001204182.2, NM_001204183.2); short protein forms D273Y.
Identifiers: ClinVar variation 2856369 (VCV002856369.3), dbSNP rs766897728, ClinGen allele CA344779113.
Genomic context (GRCh38, chr1:211,669,281, plus strand): 5'-GCTCTCCTAATTGTCGCCCTCTTCTCTCAAGATTTCTTCTTTGCTCGTCTGCAACCAAAT[C>A]TGCTATTAAAGGGTTCTCAAGAATTTCTTCAACAGAAGGTCGATGGTAATCCTGGGGAAA-3'
Protein context (NP_002488.1, residues 263-283): EEILENPLIA[Asp273Tyr]LVADEQRRNL